The following is an entry in ClinVar:

ClinVar aggregate classification (germline): Uncertain significance (1 of 4 stars; one submission).

Conditions:
HJV-related disorder. Also called: HJV-related condition.

Allele frequency attached by ClinVar (database versions not stated): gnomAD exomes below 0.00001.
gnomAD v4.1: 2 of 1,613,856 alleles (0.00012%); highest among the groups gnomAD compares: East Asian, 0.0022%; no homozygotes.

Submission:

PreventionGenetics, part of Exact Sciences
Classification: Uncertain significance for HJV-related condition. Last evaluated: 2023-08-23. Review status: criteria provided, single submitter. Criteria: ACMG Guidelines, 2015. Collection method: clinical testing. Allele origin: germline.
Comment: The HJV c.485C>T variant is predicted to result in the amino acid substitution p.Pro162Leu. To our knowledge, this variant has not been reported in the literature or in a large population database, indicating this variant is rare. At this time, the clinical significance of this variant is uncertain due to the absence of conclusive functional and genetic evidence.

NM_213653.4(HJV):c.485C>T (p.Pro162Leu)

Gene: HJV (hemojuvelin BMP co-receptor; minus strand). Cytogenetic location: 1q21.1.
Variant type: single nucleotide variant.
Coding change: c.485C>T on transcript NM_213653.4 (MANE Select); coding-DNA position 485, C replaced by T.
Protein change: p.Pro162Leu; replaces proline 162 with leucine.
Molecular consequence: missense variant. On other transcripts: intron variant (3).
Genome position (GRCh38, 1-based): chr1:146,019,347, G>A on the plus strand (C>T on the coding strand, the complement: HJV is on the minus strand). VCF-style: chr1-146019347-G-A. GRCh37 (hg19) VCF-style: chr1-145415666-C-T.
Other names: c.485C>T, p.Pro162Leu (NM_001379352.1); c.146C>T, p.Pro49Leu (NM_145277.5); c.-21-647C>T (NM_213652.4); c.-22+351C>T (NM_202004.4, NM_001316767.2); short protein forms P162L, P49L.
Identifiers: ClinVar variation 2636185 (VCV002636185.1), dbSNP rs2525751520, ClinGen allele CA342140748.